The following is an entry in ClinVar:

NM_001267550.2(TTN):c.79591G>A (p.Glu26531Lys)

Genes: TTN (titin; minus strand), TTN-AS1 (TTN antisense RNA 1; plus strand). Cytogenetic location: 2q31.2.
Variant type: single nucleotide variant.
Coding change: c.79591G>A on transcript NM_001267550.2 (MANE Select); coding-DNA position 79591, G replaced by A.
Protein change: p.Glu26531Lys; replaces glutamic acid 26531 with lysine.
Molecular consequence: missense variant.
Genome position (GRCh38, 1-based): chr2:178,566,541, C>T on the plus strand (G>A on the coding strand, the complement: TTN is on the minus strand). VCF-style: chr2-178566541-C-T. GRCh37 (hg19) VCF-style: chr2-179431268-C-T.
Other names: c.74668G>A, p.Glu24890Lys (NM_001256850.1); c.52396G>A, p.Glu17466Lys (NM_003319.4); c.71887G>A, p.Glu23963Lys (NM_133378.4); c.52771G>A, p.Glu17591Lys (NM_133432.3); c.52972G>A, p.Glu17658Lys (NM_133437.4); short protein forms E23963K, E26531K, E17658K, E24890K, E17466K, E17591K.
Identifiers: ClinVar variation 263459 (VCV000263459.4), dbSNP rs772211147, ClinGen allele CA1989456.

ClinVar aggregate classification (germline): Conflicting classifications of pathogenicity. Review status: criteria provided, conflicting classifications (1 of 4 stars). 2 submissions from 2 submitters: Uncertain significance (1); Likely benign (1). Last evaluated 2018-05-11.

Conditions:
Cardiovascular phenotype. Identifiers: MedGen CN230736.

Allele frequency attached by ClinVar (database versions not stated): ExAC 0.00001; gnomAD exomes 0.00001 and 0.00002.
gnomAD v4.1: 28 of 1,613,366 alleles (0.0017%); highest among the groups gnomAD compares: Non-Finnish European, 0.0022%; no homozygotes.

Submissions (2):

GeneDx
Classification: Likely benign. Last evaluated: 2018-05-11. Review status: criteria provided, single submitter. Criteria: GeneDx Variant Classification (06012015). Collection method: clinical testing. Allele origin: germline. Affected: yes.
Comment: This variant is considered likely benign or benign based on one or more of the following criteria: it is a conservative change, it occurs at a poorly conserved position in the protein, it is predicted to be benign by multiple in silico algorithms, and/or has population frequency not consistent with disease.

Ambry Genetics
Classification: Uncertain significance for Cardiovascular phenotype. Last evaluated: 2012-12-12. Review status: criteria provided, single submitter. Criteria: Ambry Autosomal Dominant and X-Linked criteria (10/2015). Collection method: clinical testing. Allele origin: germline. Observed: 1 variant allele.
Comment: There is insufficient or conflicting evidence for classification of this alteration.